The following is an entry in ClinVar:

ClinVar aggregate classification (germline): Likely pathogenic (1 of 4 stars; one submission).

Conditions:
Nemaline myopathy 2 (NEM2). Also called: Nemaline myopathy 2, autosomal recessive. Identifiers: MedGen C1850569, MONDO:0009725, OMIM 256030.

Submission:

Myriad Genetics, Inc.
Classification: Likely pathogenic for Nemaline myopathy 2. Last evaluated: 2022-03-15. Review status: criteria provided, single submitter. Criteria: Myriad Women's Health Autosomal Recessive and X-Linked Classification Criteria (2021). Collection method: clinical testing. Allele origin: unknown.
Comment: NM_001271208.1(NEB):c.6356_6357delTG(M2119Tfs*17) is expected to be pathogenic in the context of NEB-related nemaline myopathy. This variant is predicted to lead to an abnormal or absent protein product due to the creation of a premature termination codon in NEB, a gene where loss-of-function variants are known to be pathogenic. Please note: this variant was assessed in the context of healthy population screening.

NM_001164508.2(NEB):c.6356_6357del (p.Met2119fs)

Gene: NEB (nebulin; minus strand). Cytogenetic location: 2q23.3.
Variant type: Deletion.
Coding change: c.6356_6357del on transcript NM_001164508.2 (MANE Select); coding-DNA positions 6356 to 6357, 2 bases deleted (TG; older notation c.6356_6357delTG).
Protein change: p.Met2119fs; shifts the reading frame from methionine 2119.
Molecular consequence: frameshift variant.
Genome position (GRCh38, 1-based): chr2:151,656,291-151,656,292, CA deleted on the plus strand (TG on the coding strand, the reverse complement: NEB is on the minus strand). VCF-style (leftmost placement, unchanged base first): chr2-151656290-GCA-G. GRCh37 (hg19) VCF-style: chr2-152512804-GCA-G.
Other names: c.6356_6357del, p.Met2119fs (NM_001164507.2, NM_001271208.2, NM_004543.5); short protein forms M2119fs.
Identifiers: ClinVar variation 1725236 (VCV001725236.2), dbSNP rs2552252921, ClinGen allele CA2580064006.